The following is an entry in ClinVar:

NM_000500.9(CYP21A2):c.949C>T (p.Arg317Ter)

Genes: CYP21A2 (cytochrome P450 family 21 subfamily A member 2; plus strand), LOC106780800 (CYP21A2 recombination region; plus strand). Cytogenetic location: 6p21.33.
Variant type: single nucleotide variant.
Coding change: c.949C>T on transcript NM_000500.9 (MANE Select); coding-DNA position 949, C replaced by T.
Protein change: p.Arg317Ter; replaces arginine 317 with a stop codon.
Molecular consequence: nonsense.
Genome position (GRCh38, 1-based): chr6:32,040,415, C>T. VCF-style: chr6-32040415-C-T. GRCh37 (hg19) VCF-style: chr6-32008192-C-T.
Other names: c.949C>T (NM_000500.7); c.859C>T, p.Arg287Ter (NM_001128590.4); c.544C>T, p.Arg182Ter (NM_001368143.2, NM_001368144.2); short protein forms R182*, R287*, R317*.
Identifiers: ClinVar variation 1174727 (VCV001174727.12), dbSNP rs748290896, ClinGen allele CA3732596.

ClinVar aggregate classification (germline): Pathogenic. Review status: criteria provided, multiple submitters, no conflicts (2 of 4 stars). 5 submissions from 5 submitters: Pathogenic (2). 3 of the submissions do not count toward it. Last evaluated 2024-02-26.

Conditions:
CYP21A2-related disorder. Also called: CYP21A2-related condition.

Allele frequency attached by ClinVar (database versions not stated): gnomAD exomes below 0.00001; TOPMed below 0.00001; ExAC 0.00001.
gnomAD v4.1: 7 of 1,613,026 alleles (0.00043%); highest among the groups gnomAD compares: East Asian, 0.0022%; no homozygotes.

Submissions (5):

Blueprint Genetics
Classification: Pathogenic for CYP21A2-related disorders. Last evaluated: 2024-02-26. Review status: criteria provided, single submitter. Criteria: ACMG Guidelines, 2015. Collection method: clinical testing. Allele origin: germline. Affected: yes. Observed: 1 variant allele.

Labcorp Genetics (formerly Invitae), Labcorp
Classification: Pathogenic. Last evaluated: 2023-11-15. Review status: criteria provided, single submitter. Criteria: Invitae Variant Classification Sherloc (09022015). Collection method: clinical testing. Allele origin: germline.
Comment: This sequence change creates a premature translational stop signal (p.Arg317*) in the CYP21A2 gene. It is expected to result in an absent or disrupted protein product. Loss-of-function variants in CYP21A2 are known to be pathogenic (PMID: 10857554). The frequency data for this variant in the population databases (gnomAD) is considered unreliable due to the presence of homologous sequence, such as pseudogenes or paralogs, in the genome. This premature translational stop signal has been observed in individuals with classic salt-wasting congenital adrenal hyperplasia due to 21-hydroxylase deficiency (PMID: 9799085). This variant is also known as p.Arg316*. ClinVar contains an entry for this variant (Variation ID: 1174727). For these reasons, this variant has been classified as Pathogenic.

PreventionGenetics, part of Exact Sciences
Classification: Pathogenic for CYP21A2-related condition. Last evaluated: 2024-07-14. Review status: no assertion criteria provided. Collection method: clinical testing. Allele origin: germline. Not counted in ClinVar's aggregate classification.
Comment: The CYP21A2 c.949C>T variant is predicted to result in premature protein termination (p.Arg317*). This variant has been reported to be pathogenic for autosomal recessive congenital adrenal hyperplasia (CAH) and associated with salt-wasting (SW) form of CAH as a null allele (also known as R316X in the literature; see for example, Lee et al. 1998. PubMed ID: 9799085; Zhao et al. 2012. PubMed ID: 22262854). This variant has not been reported in a large population database, indicating this variant is rare. This variant falls within a highly paralogous region. Allele frequency data should be interpreted with caution. Nonsense variants in CYP21A2 are expected to be pathogenic. This variant is interpreted as pathogenic.

Diagnostic Laboratory, Department of Genetics, University Medical Center Groningen
Classification: Pathogenic. Review status: no assertion criteria provided. Collection method: clinical testing. Allele origin: germline. Affected: yes. Study: VKGL Data-share Consensus. Not counted in ClinVar's aggregate classification.

Joint Genome Diagnostic Labs from Nijmegen and Maastricht, Radboudumc and MUMC+
Classification: Pathogenic. Review status: no assertion criteria provided. Collection method: clinical testing. Allele origin: germline. Affected: yes. Study: VKGL Data-share Consensus. Not counted in ClinVar's aggregate classification.

Literature cited by the submitters: PubMed 10857554 (cited by Labcorp Genetics (formerly Invitae), Labcorp); PubMed 9799085 (cited by Labcorp Genetics (formerly Invitae), Labcorp).